The following is an entry in ClinVar:

ClinVar aggregate classification (germline): Benign/Likely benign. Review status: criteria provided, multiple submitters, no conflicts (2 of 4 stars). 7 submissions from 7 submitters: Benign (3); Likely benign (3). 1 of the submissions does not count toward it. Last evaluated 2025-11-26.

Conditions:
AKT1-related disorder. Also called: AKT1-related condition.
Inborn genetic diseases. Identifiers: MedGen C0950123, MeSH D030342.
Cowden syndrome 6 (CWS6). Identifiers: Orphanet 201, MedGen C3554519, MONDO:0014048, OMIM 615109.

Allele frequency attached by ClinVar (database versions not stated): gnomAD exomes 0.00077 and 0.00227; ExAC 0.00270; gnomAD 0.00832 and 0.00876; 1000 Genomes Project 30x 0.00874; 1000 Genomes Project 0.00879; ESP Exome Variant Server 0.00900; TOPMed 0.00916.
gnomAD v4.1: 2,448 of 1,613,560 alleles (0.15%); highest among the groups gnomAD compares: African/African-American, 2.7%; 35 homozygotes.

Submissions (14):

Labcorp Genetics (formerly Invitae), Labcorp
Classification: Benign for Cowden syndrome 6. Last evaluated: 2025-11-26. Review status: criteria provided, single submitter. Criteria: Invitae Variant Classification Sherloc (09022015). Collection method: clinical testing. Allele origin: germline.

ARUP Laboratories, Molecular Genetics and Genomics, ARUP Laboratories
Classification: Benign. Last evaluated: 2023-11-29. Review status: criteria provided, single submitter. Criteria: ARUP Molecular Germline Variant Investigation Process 2024. Collection method: clinical testing. Allele origin: germline.

KCCC/NGS Laboratory, Kuwait Cancer Control Center
Classification: Benign for Cowden syndrome 6. Last evaluated: 2023-07-07. Review status: criteria provided, single submitter. Criteria: ACMG Guidelines, 2015. Collection method: clinical testing. Allele origin: germline. Affected: yes.

Ambry Genetics
Classification: Likely benign for Inborn genetic diseases. Last evaluated: 2022-02-12. Review status: criteria provided, single submitter. Criteria: Ambry Variant Classification Scheme 2023. Collection method: clinical testing. Allele origin: germline.

GeneDx
Classification: Likely benign. Last evaluated: 2020-11-24. Review status: criteria provided, single submitter. Criteria: GeneDx Variant Classification Process June 2021. Collection method: clinical testing. Allele origin: germline. Affected: yes.

Breakthrough Genomics
Classification: Likely benign. Review status: criteria provided, single submitter. Criteria: ACMG Guidelines, 2015. Collection method: not provided. Allele origin: germline. Inheritance: Autosomal dominant inheritance. Affected: yes.

PreventionGenetics, part of Exact Sciences
Classification: Benign for AKT1-related condition. Last evaluated: 2019-05-02. Review status: no assertion criteria provided. Collection method: clinical testing. Allele origin: germline. Not counted in ClinVar's aggregate classification.
Comment: This variant is classified as benign based on ACMG/AMP sequence variant interpretation guidelines (Richards et al. 2015 PMID: 25741868, with internal and published modifications).

Dr. Peter K. Rogan Lab, Western University
No classification provided (evidence only). Condition: Clear cell carcinoma of kidney. Review status: no classification provided. Collection method: in vitro. Allele origin: not applicable. Functional consequence: retained intron. Not counted in ClinVar's aggregate classification.

Dr. Peter K. Rogan Lab, Western University
No classification provided (evidence only). Condition: Lung cancer. Review status: no classification provided. Collection method: in vitro. Allele origin: not applicable. Functional consequence: skipped exon. Not counted in ClinVar's aggregate classification.

Dr. Peter K. Rogan Lab, Western University
No classification provided (evidence only). Condition: Thyroid cancer, nonmedullary, 1. Review status: no classification provided. Collection method: in vitro. Allele origin: not applicable. Functional consequence: skipped exon. Not counted in ClinVar's aggregate classification.

Dr. Peter K. Rogan Lab, Western University
No classification provided (evidence only). Condition: Uterine corpus endometrial carcinoma. Review status: no classification provided. Collection method: in vitro. Allele origin: not applicable. Functional consequence: skipped exon. Not counted in ClinVar's aggregate classification.

Dr. Peter K. Rogan Lab, Western University
No classification provided (evidence only). Condition: Cervical cancer. Review status: no classification provided. Collection method: in vitro. Allele origin: not applicable. Functional consequence: retained intron. Not counted in ClinVar's aggregate classification.

Dr. Peter K. Rogan Lab, Western University
No classification provided (evidence only). Condition: Nonpapillary renal cell carcinoma. Review status: no classification provided. Collection method: in vitro. Allele origin: not applicable. Functional consequence: retained intron. Not counted in ClinVar's aggregate classification.

Dr. Peter K. Rogan Lab, Western University
No classification provided (evidence only). Condition: Uterine carcinosarcoma. Review status: no classification provided. Collection method: in vitro. Allele origin: not applicable. Functional consequence: skipped exon, retained intron. Not counted in ClinVar's aggregate classification.

NM_001382430.1(AKT1):c.1179C>T (p.Gly393=)

Gene: AKT1 (AKT serine/threonine kinase 1; minus strand). Cytogenetic location: 14q32.33.
Variant type: single nucleotide variant.
Coding change: c.1179C>T on transcript NM_001382430.1 (MANE Select); coding-DNA position 1179, C replaced by T.
Protein change: p.Gly393=; no amino-acid change (glycine 393 retained).
Molecular consequence: synonymous variant.
Genome position (GRCh38, 1-based): chr14:104,772,446, G>A on the plus strand (C>T on the coding strand, the complement: AKT1 is on the minus strand). VCF-style: chr14-104772446-G-A. GRCh37 (hg19) VCF-style: chr14-105238783-G-A.
Other names: c.1179C>T (NM_001014431.1); c.1179C>T, p.Gly393= (NM_001014431.2, NM_001014432.2, NM_001382431.1 and 3 more transcripts).
Identifiers: ClinVar variation 240103 (VCV000240103.21), dbSNP rs11555434, ClinGen allele CA7374533.